The following is an entry in ClinVar:

ClinVar aggregate classification (germline): Uncertain significance (1 of 4 stars; one submission).

Submission:

GeneDx
Classification: Uncertain significance. Last evaluated: 2023-01-27. Review status: criteria provided, single submitter. Criteria: GeneDx Variant Classification Process June 2021. Collection method: clinical testing. Allele origin: germline. Affected: yes.
Comment: Not observed at significant frequency in large population cohorts (gnomAD); In silico analysis supports that this missense variant has a deleterious effect on protein structure/function; Has not been previously published as pathogenic or benign to our knowledge

NM_005529.7(HSPG2):c.3899A>G (p.Glu1300Gly)

Gene: HSPG2 (heparan sulfate proteoglycan 2; minus strand). Cytogenetic location: 1p36.12.
Variant type: single nucleotide variant.
Coding change: c.3899A>G on transcript NM_005529.7 (MANE Select); coding-DNA position 3899, A replaced by G.
Protein change: p.Glu1300Gly; replaces glutamic acid 1300 with glycine.
Molecular consequence: missense variant.
Genome position (GRCh38, 1-based): chr1:21,872,750, T>C on the plus strand (A>G on the coding strand, the complement: HSPG2 is on the minus strand). VCF-style: chr1-21872750-T-C. GRCh37 (hg19) VCF-style: chr1-22199243-T-C.
Other names: c.3902A>G, p.Glu1301Gly (NM_001291860.2); short protein forms E1300G, E1301G.
Identifiers: ClinVar variation 2574485 (VCV002574485.1), dbSNP rs2550750912, ClinGen allele CA338959684.